The following is an entry in ClinVar:

ClinVar aggregate classification (germline): Uncertain significance. Review status: criteria provided, multiple submitters, no conflicts (2 of 4 stars). 4 submissions from 4 submitters: Uncertain significance (4). Last evaluated 2024-09-18.

Conditions:
Von Hippel-Lindau syndrome (VHLS). Also called: von Hippel–Lindau syndrome; VHL syndrome; Von Hippel-Lindau. Identifiers: Orphanet 892, MedGen C0019562, MONDO:0008667, OMIM 193300. Disease mechanism: loss of function.
Chuvash polycythemia. Also called: POLYCYTHEMIA, VHL-DEPENDENT. Identifiers: Orphanet 238557, MedGen C1837915, MONDO:0009892, OMIM 263400.
Hereditary cancer-predisposing syndrome. Also called: Neoplastic Syndromes, Hereditary; Hereditary neoplastic syndrome; Hereditary Cancer Syndrome; Tumor predisposition. Identifiers: Orphanet 140162, MedGen C0027672, MeSH D009386, MONDO:0015356.

Allele frequency attached by ClinVar (database versions not stated): TOPMed below 0.00001; gnomAD exomes 0.00001.
gnomAD v4.1: 2 of 1,570,700 alleles (0.00013%); highest among the groups gnomAD compares: Admixed American, 0.0019%; no homozygotes.

Submissions (4):

Labcorp Genetics (formerly Invitae), Labcorp
Classification: Uncertain significance for Von Hippel-Lindau syndrome; Chuvash polycythemia. Last evaluated: 2024-09-18. Review status: criteria provided, single submitter. Criteria: Invitae Variant Classification Sherloc (09022015). Collection method: clinical testing. Allele origin: germline.
Comment: This sequence change replaces glutamic acid, which is acidic and polar, with lysine, which is basic and polar, at codon 47 of the VHL protein (p.Glu47Lys). The frequency data for this variant in the population databases is considered unreliable, as metrics indicate poor data quality at this position in the gnomAD database. This variant has not been reported in the literature in individuals affected with VHL-related conditions. ClinVar contains an entry for this variant (Variation ID: 658604). Invitae Evidence Modeling of protein sequence and biophysical properties (such as structural, functional, and spatial information, amino acid conservation, physicochemical variation, residue mobility, and thermodynamic stability) indicates that this missense variant is not expected to disrupt VHL protein function with a negative predictive value of 95%. In summary, the available evidence is currently insufficient to determine the role of this variant in disease. Therefore, it has been classified as a Variant of Uncertain Significance.

Ambry Genetics
Classification: Uncertain significance for Hereditary cancer-predisposing syndrome. Last evaluated: 2024-08-27. Review status: criteria provided, single submitter. Criteria: Ambry Variant Classification Scheme 2023. Collection method: clinical testing. Allele origin: germline.
Comment: The p.E47K variant (also known as c.139G>A), located in coding exon 1 of the VHL gene, results from a G to A substitution at nucleotide position 139. The glutamic acid at codon 47 is replaced by lysine, an amino acid with similar properties. This amino acid position is well conserved in available vertebrate species. In addition, this alteration is predicted to be tolerated by in silico analysis. Based on the available evidence, the clinical significance of this variant remains unclear.

All of Us Research Program, National Institutes of Health
Classification: Uncertain significance for Von Hippel-Lindau syndrome. Last evaluated: 2023-12-13. Review status: criteria provided, single submitter. Criteria: ACMG Guidelines, 2015. Collection method: clinical testing. Allele origin: germline. Inheritance: Autosomal dominant inheritance. Observed: 3 variant alleles, 3 heterozygotes.
Comment: This missense variant replaces glutamic acid with lysine at codon 47 of the VHL protein. Computational prediction suggests that this variant may not impact protein structure and function (internally defined REVEL score threshold <= 0.5, PMID: 27666373). To our knowledge, functional studies have not been reported for this variant. This variant has not been reported in individuals affected with VHL-related disorders in the literature. This variant has been identified in 1/175198 chromosomes in the general population by the Genome Aggregation Database (gnomAD). The available evidence is insufficient to determine the role of this variant in disease conclusively. Therefore, this variant is classified as a Variant of Uncertain Significance.

This study involves interpretation of variants in research participants for the purpose of population health screening. Participant phenotype was not available at the time of variant classification. Additional details can be found in publication PMID: 35346344, PMCID: PMC8962531

Baylor Genetics
Classification: Uncertain significance for Chuvash polycythemia. Last evaluated: 2023-10-08. Review status: criteria provided, single submitter. Criteria: ACMG Guidelines, 2015. Collection method: clinical testing. Allele origin: unknown.

NM_000551.4(VHL):c.139G>A (p.Glu47Lys)

Gene: VHL (von Hippel-Lindau tumor suppressor; plus strand). Cytogenetic location: 3p25.3.
Variant type: single nucleotide variant.
Coding change: c.139G>A on transcript NM_000551.4 (MANE Select); coding-DNA position 139, G replaced by A.
Protein change: p.Glu47Lys; replaces glutamic acid 47 with lysine.
Molecular consequence: missense variant.
Genome position (GRCh38, 1-based): chr3:10,141,986, G>A. VCF-style: chr3-10141986-G-A. GRCh37 (hg19) VCF-style: chr3-10183670-G-A.
Other names: c.139G>A, p.Glu47Lys (NM_001354723.2, NM_198156.3); short protein forms E47K.
Identifiers: ClinVar variation 658604 (VCV000658604.15), dbSNP rs1457039250, ClinGen allele CA351748134.
Genomic context (GRCh38, chr3:10,141,986, plus strand): 5'-GAAGACGGCGGGGAGGAGTCGGGCGCCGAGGAGTCCGGCCCGGAAGAGTCCGGCCCGGAG[G>A]AACTGGGCGCCGAGGAGGAGATGGAGGCCGGGCGGCCGCGGCCCGTGCTGCGCTCGGTGA-3'
Protein context (NP_000542.1, residues 37-57): ESGPEESGPE[Glu47Lys]LGAEEEMEAG